The following is an entry in ClinVar:

ClinVar aggregate classification (germline): Uncertain significance (1 of 4 stars; one submission).

Conditions:
Hereditary sensory and autonomic neuropathy type 7. Also called: HSAN VII; Neuropathy, hereditary sensory and autonomic, type VII. Identifiers: Orphanet 391397, MedGen C3809882, MONDO:0014244, OMIM 615548.
Familial episodic pain syndrome with predominantly lower limb involvement. Also called: Episodic pain syndrome, familial, 3. Identifiers: Orphanet 391384, Orphanet 391392, MedGen C3809899, MONDO:0014247, OMIM 615552.

gnomAD v4.1: 16 of 1,611,456 alleles (0.00099%); highest among the groups gnomAD compares: South Asian, 0.011%; no homozygotes.

Submission:

Labcorp Genetics (formerly Invitae), Labcorp
Classification: Uncertain significance for Familial episodic pain syndrome with predominantly lower limb involvement; Hereditary sensory and autonomic neuropathy type 7. Last evaluated: 2024-06-11. Review status: criteria provided, single submitter. Criteria: Invitae Variant Classification Sherloc (09022015). Collection method: clinical testing. Allele origin: germline.
Comment: This sequence change replaces proline, which is neutral and non-polar, with serine, which is neutral and polar, at codon 561 of the SCN11A protein (p.Pro561Ser). This variant is present in population databases (rs750126337, gnomAD 0.007%). This variant has not been reported in the literature in individuals affected with SCN11A-related conditions. Advanced modeling of protein sequence and biophysical properties (such as structural, functional, and spatial information, amino acid conservation, physicochemical variation, residue mobility, and thermodynamic stability) performed at Invitae indicates that this missense variant is not expected to disrupt SCN11A protein function with a negative predictive value of 80%. In summary, the available evidence is currently insufficient to determine the role of this variant in disease. Therefore, it has been classified as a Variant of Uncertain Significance.

NM_001349253.2(SCN11A):c.1681C>T (p.Pro561Ser)

Gene: SCN11A (sodium voltage-gated channel alpha subunit 11; minus strand). Cytogenetic location: 3p22.2.
Variant type: single nucleotide variant.
Coding change: c.1681C>T on transcript NM_001349253.2 (MANE Select); coding-DNA position 1681, C replaced by T.
Protein change: p.Pro561Ser; replaces proline 561 with serine.
Molecular consequence: missense variant.
Genome position (GRCh38, 1-based): chr3:38,904,026, G>A on the plus strand (C>T on the coding strand, the complement: SCN11A is on the minus strand). VCF-style: chr3-38904026-G-A. GRCh37 (hg19) VCF-style: chr3-38945517-G-A.
Other names: c.1681C>T, p.Pro561Ser (NM_014139.3); short protein forms P561S.
Identifiers: ClinVar variation 3762474 (VCV003762474.2).
Genomic context (GRCh38, chr3:38,904,026, plus strand): 5'-GCTCAGTAAACGGGTCAGTCATCACAGTTCTCAGGACCTTCTTAACGCACAGCCACTGGG[G>A]GCAACAGTTCCACACGAGGTACTTGGATGCCAGGTTTTCTCCACAAGGGAGACAAGGCTC-3'
Protein context (NP_001336182.1, residues 551-571): ASKYLVWNCC[Pro561Ser]QWLCVKKVLR